The following is an entry in ClinVar:

ClinVar aggregate classification (germline): Pathogenic (1 of 4 stars; one submission).

Conditions:
Global developmental delay with speech and behavioral abnormalities. Identifiers: MedGen C5543226, MONDO:0030995, OMIM 619243.

Submission:

GeneDx
Classification: Pathogenic. Last evaluated: 2023-10-11. Review status: criteria provided, single submitter. Criteria: GeneDx Variant Classification Process June 2021. Collection method: clinical testing. Allele origin: germline. Affected: yes.
Comment: Nonsense variant predicted to result in protein truncation or nonsense mediated decay in a gene for which loss-of-function is a known mechanism of disease; Not observed at significant frequency in large population cohorts (gnomAD); Has not been previously published as pathogenic or benign to our knowledge

NM_001162501.2(TNRC6B):c.2990G>A (p.Trp997Ter)

Gene: TNRC6B (trinucleotide repeat containing adaptor 6B; plus strand). Cytogenetic location: 22q13.1.
Variant type: single nucleotide variant.
Coding change: c.2990G>A on transcript NM_001162501.2 (MANE Select); coding-DNA position 2990, G replaced by A.
Protein change: p.Trp997Ter; replaces tryptophan 997 with a stop codon.
Molecular consequence: nonsense.
Genome position (GRCh38, 1-based): chr22:40,273,449, G>A. VCF-style: chr22-40273449-G-A. GRCh37 (hg19) VCF-style: chr22-40669453-G-A.
Other names: c.749G>A, p.Trp250Ter (NM_001024843.2); c.2831G>A, p.Trp944Ter (NM_015088.3); short protein forms W250*, W944*, W997*.
Identifiers: ClinVar variation 2663281 (VCV002663281.2), dbSNP rs376009962, ClinGen allele CA411644504.